The following is an entry in ClinVar:

NM_021098.3(CACNA1H):c.3969+1G>A

Gene: CACNA1H (calcium voltage-gated channel subunit alpha1 H; plus strand). Cytogenetic location: 16p13.3.
Variant type: single nucleotide variant.
Coding change: c.3969+1G>A on transcript NM_021098.3 (MANE Select); the canonical splice donor site of the intron after coding-DNA position 3969, G replaced by A.
Molecular consequence: splice donor variant.
Genome position (GRCh38, 1-based): chr16:1,210,494, G>A. VCF-style: chr16-1210494-G-A. GRCh37 (hg19) VCF-style: chr16-1260494-G-A.
Other names: c.3969+1G>A (NM_001005407.2).
Identifiers: ClinVar variation 1381895 (VCV001381895.9), dbSNP rs1303395495, ClinGen allele CA394176882.
Genomic context (GRCh38, chr16:1,210,494, plus strand): 5'-ATCTTCCTCAACTGCGTCACCATCGCCCTGGAGAGGCCTGACATTGATCCCGGCAGCACC[G>A]TGAGTCAGCCAACCCCATCGTCCCGGGCCACCACGACCCCCAGGGAGGGGTGGAGTGGAC-3'

ClinVar aggregate classification (germline): Uncertain significance. Review status: criteria provided, multiple submitters, no conflicts (2 of 4 stars). 2 submissions from 2 submitters: Uncertain significance (2). Last evaluated 2024-05-12.

Conditions:
Idiopathic generalized epilepsy. Also called: Generalised epilepsy; EIG. Identifiers: MedGen C0270850, MONDO:0005579, OMIM 600669.
Hyperaldosteronism, familial, type IV (HALD4). Also called: FH IV; ALDOSTERONISM, PRIMARY, AND HYPERTENSION. Identifiers: Orphanet 642671, MedGen C4310756, MONDO:0014875, OMIM 617027.

Allele frequency attached by ClinVar (database versions not stated): gnomAD exomes below 0.00001.
gnomAD v4.1: 4 of 1,611,620 alleles (0.00025%); highest among the groups gnomAD compares: Non-Finnish European, 0.00034%; no homozygotes.

Submissions (2):

GeneDx
Classification: Uncertain significance. Last evaluated: 2024-05-12. Review status: criteria provided, single submitter. Criteria: GeneDx Variant Classification Process June 2021. Collection method: clinical testing. Allele origin: germline. Affected: yes.
Comment: Not observed at significant frequency in large population cohorts (gnomAD); Has not been previously published as pathogenic or benign to our knowledge; Canonical splice site variant in a gene for which loss-of-function is not a known mechanism of disease

Labcorp Genetics (formerly Invitae), Labcorp
Classification: Uncertain significance for Idiopathic generalized epilepsy; Hyperaldosteronism, familial, type IV. Last evaluated: 2021-02-15. Review status: criteria provided, single submitter. Criteria: Invitae Variant Classification Sherloc (09022015). Collection method: clinical testing. Allele origin: germline.
Comment: This variant is not present in population databases (ExAC no frequency). In summary, the available evidence is currently insufficient to determine the role of this variant in disease. Therefore, it has been classified as a Variant of Uncertain Significance. Algorithms developed to predict the effect of sequence changes on RNA splicing suggest that this variant may disrupt the consensus splice site, but this prediction has not been confirmed by published transcriptional studies. This variant has not been reported in the literature in individuals with CACNA1H-related conditions. This sequence change affects a donor splice site in intron 19 of the CACNA1H gene. It is expected to disrupt RNA splicing. Variants that disrupt the donor or acceptor splice site typically lead to a loss of protein function (PMID: 16199547), however the current clinical and genetic evidence is not sufficient to establish whether loss-of-function variants in CACNA1H cause disease.

Literature cited by the submitters: PubMed 16199547 (cited by Labcorp Genetics (formerly Invitae), Labcorp).